The following is an entry in ClinVar:

NM_014159.7(SETD2):c.2785A>G (p.Ile929Val)

Gene: SETD2 (SET domain containing 2, histone lysine methyltransferase; minus strand). Cytogenetic location: 3p21.31.
Variant type: single nucleotide variant.
Coding change: c.2785A>G on transcript NM_014159.7 (MANE Select); coding-DNA position 2785, A replaced by G.
Protein change: p.Ile929Val; replaces isoleucine 929 with valine.
Molecular consequence: missense variant. On other transcripts: non-coding transcript variant (1).
Genome position (GRCh38, 1-based): chr3:47,121,851, T>C on the plus strand (A>G on the coding strand, the complement: SETD2 is on the minus strand). VCF-style: chr3-47121851-T-C. GRCh37 (hg19) VCF-style: chr3-47163341-T-C.
Other names: c.2653A>G, p.Ile885Val (NM_001349370.3); short protein forms I885V, I929V.
Identifiers: ClinVar variation 1058711 (VCV001058711.5), dbSNP rs888768344, ClinGen allele CA73809830.

ClinVar aggregate classification (germline): Uncertain significance (1 of 4 stars; one submission).

Conditions:
Luscan-Lumish syndrome. Identifiers: Orphanet 597738, MedGen C4085873, MONDO:0014791, OMIM 616831.

Submission:

Labcorp Genetics (formerly Invitae), Labcorp
Classification: Uncertain significance for Luscan-Lumish syndrome. Last evaluated: 2022-07-12. Review status: criteria provided, single submitter. Criteria: Invitae Variant Classification Sherloc (09022015). Collection method: clinical testing. Allele origin: germline.
Comment: In summary, the available evidence is currently insufficient to determine the role of this variant in disease. Therefore, it has been classified as a Variant of Uncertain Significance. Algorithms developed to predict the effect of missense changes on protein structure and function output the following: SIFT: "Tolerated"; PolyPhen-2: "Benign"; Align-GVGD: "Class C0". The valine amino acid residue is found in multiple mammalian species, which suggests that this missense change does not adversely affect protein function. ClinVar contains an entry for this variant (Variation ID: 1058711). This variant has not been reported in the literature in individuals affected with SETD2-related conditions. This variant is not present in population databases (gnomAD no frequency). This sequence change replaces isoleucine, which is neutral and non-polar, with valine, which is neutral and non-polar, at codon 929 of the SETD2 protein (p.Ile929Val).